The following is an entry in ClinVar:

NM_000321.3(RB1):c.2084T>A (p.Met695Lys)

Gene: RB1 (RB transcriptional corepressor 1; plus strand). Cytogenetic location: 13q14.2.
Variant type: single nucleotide variant.
Coding change: c.2084T>A on transcript NM_000321.3 (MANE Select); coding-DNA position 2084, T replaced by A.
Protein change: p.Met695Lys; replaces methionine 695 with lysine.
Molecular consequence: missense variant.
Genome position (GRCh38, 1-based): chr13:48,459,811, T>A. VCF-style: chr13-48459811-T-A. GRCh37 (hg19) VCF-style: chr13-49033947-T-A.
Other names: c.2084T>A, p.Met695Lys (NM_001407165.1); short protein forms M695K.
Identifiers: ClinVar variation 2858090 (VCV002858090.3), dbSNP rs727504122, ClinGen allele CA388166927.

ClinVar aggregate classification (germline): Likely pathogenic (1 of 4 stars; one submission).

Conditions:
Retinoblastoma (RB1). Also called: RETINOBLASTOMA, SOMATIC. Identifiers: Orphanet 790, MedGen C0035335, MeSH D012175, MONDO:0008380, OMIM 180200, HP:0009919. Disease mechanism: loss of function. Inheritance: Both sporadic and heritable forms are tested..

Submission:

Labcorp Genetics (formerly Invitae), Labcorp
Classification: Likely pathogenic for Retinoblastoma. Last evaluated: 2023-06-19. Review status: criteria provided, single submitter. Criteria: Invitae Variant Classification Sherloc (09022015). Collection method: clinical testing. Allele origin: germline.
Comment: In summary, the currently available evidence indicates that the variant is pathogenic, but additional data are needed to prove that conclusively. Therefore, this variant has been classified as Likely Pathogenic. Advanced modeling of protein sequence and biophysical properties (such as structural, functional, and spatial information, amino acid conservation, physicochemical variation, residue mobility, and thermodynamic stability) performed at Invitae indicates that this missense variant is expected to disrupt RB1 protein function. This missense change has been observed in individual(s) with retinoblastoma (Invitae). It has also been observed to segregate with disease in related individuals. This variant is not present in population databases (gnomAD no frequency). This sequence change replaces methionine, which is neutral and non-polar, with lysine, which is basic and polar, at codon 695 of the RB1 protein (p.Met695Lys).